The following is an entry in ClinVar:

NM_000553.6(WRN):c.2666G>A (p.Arg889Gln)

Gene: WRN (WRN RecQ like helicase; plus strand). Cytogenetic location: 8p12.
Variant type: single nucleotide variant.
Coding change: c.2666G>A on transcript NM_000553.6 (MANE Select); coding-DNA position 2666, G replaced by A.
Protein change: p.Arg889Gln; replaces arginine 889 with glutamine.
Molecular consequence: missense variant.
Genome position (GRCh38, 1-based): chr8:31,124,557, G>A. VCF-style: chr8-31124557-G-A. GRCh37 (hg19) VCF-style: chr8-30982073-G-A.
Other names: short protein forms R889Q.
Identifiers: ClinVar variation 528091 (VCV000528091.20), dbSNP rs374262282, ClinGen allele CA4704813.
Genomic context (GRCh38, chr8:31,124,557, plus strand): 5'-TTCCTGTGATGTTTTTAATCGACAGGCACCTTCTTACTGAGATACGTAATGAGAAGTTTC[G>A]ATTATACAAATTAAAGATGATGGCAAAGATGGAAAAATATCTTCATTCTAGCAGATGTAG-3'
Protein context (NP_000544.2, residues 879-899): LLTEIRNEKF[Arg889Gln]LYKLKMMAKM

ClinVar aggregate classification (germline): Uncertain significance. Review status: criteria provided, multiple submitters, no conflicts (2 of 4 stars). 2 submissions from 2 submitters: Uncertain significance (2). Last evaluated 2024-11-14.

Conditions:
Werner syndrome (WRN). Identifiers: Orphanet 902, MedGen C0043119, MONDO:0010196, OMIM 277700.
Inborn genetic diseases. Identifiers: MedGen C0950123, MeSH D030342.

Allele frequency attached by ClinVar (database versions not stated): gnomAD exomes below 0.00001; ExAC 0.00001; gnomAD 0.00001; TOPMed 0.00001; ESP Exome Variant Server 0.00008.

Submissions (2):

Ambry Genetics
Classification: Uncertain significance for Inborn genetic diseases. Last evaluated: 2024-11-14. Review status: criteria provided, single submitter. Criteria: Ambry Variant Classification Scheme 2023. Collection method: clinical testing. Allele origin: germline.

Labcorp Genetics (formerly Invitae), Labcorp
Classification: Uncertain significance for Werner syndrome. Last evaluated: 2024-06-11. Review status: criteria provided, single submitter. Criteria: Invitae Variant Classification Sherloc (09022015). Collection method: clinical testing. Allele origin: germline.
Comment: This sequence change replaces arginine, which is basic and polar, with glutamine, which is neutral and polar, at codon 889 of the WRN protein (p.Arg889Gln). The frequency data for this variant in the population databases is considered unreliable, as metrics indicate poor data quality at this position in the gnomAD database. This variant has not been reported in the literature in individuals affected with WRN-related conditions. ClinVar contains an entry for this variant (Variation ID: 528091). An algorithm developed to predict the effect of missense changes on protein structure and function (PolyPhen-2) suggests that this variant¬†is likely to be tolerated. RNA analysis performed to evaluate the impact of this missense change on mRNA splicing indicates it does not significantly alter splicing (Invitae). In summary, the available evidence is currently insufficient to determine the role of this variant in disease. Therefore, it has been classified as a Variant of Uncertain Significance.